The following is an entry in ClinVar:

NM_001199107.2(TBC1D24):c.1015A>G (p.Asn339Asp)

Gene: TBC1D24 (TBC1 domain family member 24; plus strand). Cytogenetic location: 16p13.3.
Variant type: single nucleotide variant.
Coding change: c.1015A>G on transcript NM_001199107.2 (MANE Select); coding-DNA position 1015, A replaced by G.
Protein change: p.Asn339Asp; replaces asparagine 339 with aspartic acid.
Molecular consequence: missense variant.
Genome position (GRCh38, 1-based): chr16:2,498,269, A>G. VCF-style: chr16-2498269-A-G. GRCh37 (hg19) VCF-style: chr16-2548270-A-G.
Other names: c.997A>G, p.Asn333Asp (NM_020705.3); short protein forms N339D, N333D.
Identifiers: ClinVar variation 130541 (VCV000130541.52), dbSNP rs574768683, ClinGen allele CA231544.

ClinVar aggregate classification (germline): Conflicting classifications of pathogenicity. Review status: criteria provided, conflicting classifications (1 of 4 stars). 9 submissions from 9 submitters: Uncertain significance (8); Likely benign (1). Last evaluated 2025-06-27.

Conditions:
Autosomal dominant nonsyndromic hearing loss 65. Also called: Deafness, autosomal dominant 65; TBC1D24-Related Autosomal Dominant Nonsyndromic Hearing Loss (DFNA). Identifiers: Orphanet 90635, MedGen C3892048, MONDO:0014470, OMIM 616044.
Developmental and epileptic encephalopathy, 1 (DEE1). Also called: INFANTILE SPASM SYNDROME, X-LINKED 1; Epileptic encephalopathy, early infantile, 1; X-linked infantile spasms; West's syndrome; Tonic spasms with clustering, arrest of psychomotor development and hypsarrhythmia on EEG; X-Linked Infantile Spasm Syndrome. Identifiers: MedGen C3463992, MONDO:0010632, OMIM 308350. Disease mechanism: loss of function.
TBC1D24-related disorder. Also called: TBC1D24-related condition; TBC1D24-related disorders. Identifiers: MedGen CN381194.
Rolandic epilepsy-paroxysmal exercise-induced dystonia-writer's cramp syndrome. Also called: RE-PED-WC; TBC1D24-Related Rolandic Epilepsy with Paroxysmal Exercise-Induced Dystonia and Writer's Cramp (EPRPDC). Identifiers: Orphanet 163727, MedGen C1842531, MONDO:0011970, OMIM 608105.
Autosomal recessive nonsyndromic hearing loss 86 (DFNB86). Also called: TBC1D24-Related Autosomal Recessive Nonsyndromic Hearing Loss (DFNB); Deafness , autosomal recessive 86. Identifiers: Orphanet 90636, MedGen C2829265, MONDO:0013826, OMIM 614617.
DOORS syndrome (DOORS). Also called: Digitorenocerebral syndrome; DEAFNESS, ONYCHODYSTROPHY, OSTEODYSTROPHY, IMPAIRED INTELLECTUAL DEVELOPMENT, AND SEIZURES SYNDROME; DRC SYNDROME; BRACHYDACTYLY DUE TO ABSENCE OF DISTAL PHALANGES; ERONEN SYNDROME; DOOR SYNDROME. Identifiers: Orphanet 3231, Orphanet 79500, MedGen C0795934, MONDO:0009079, OMIM 220500. Disease mechanism: loss of function.
Developmental and epileptic encephalopathy, 16 (DEE16). Also called: Early infantile epileptic encephalopathy 16; TBC1D24-Related Developmental and Epileptic Encephalopathy (DEE). Identifiers: Orphanet 293181, Orphanet 352596, MedGen C3809173, MONDO:0014133, OMIM 615338.
Familial infantile myoclonic epilepsy (FIME). Also called: Epilepsy, Myoclonic, Infantile; TBC1D24-Related Familial Infantile Myoclonic Epilepsy (FIME). Identifiers: Orphanet 352582, MedGen C0917800, MONDO:0011506, OMIM 605021.
Inborn genetic diseases. Identifiers: MedGen C0950123, MeSH D030342.

Allele frequency attached by ClinVar (database versions not stated): gnomAD 0.00002 and 0.00003; TOPMed 0.00004; gnomAD exomes 0.00008 and 0.00016; 1000 Genomes Project 30x 0.00016; ExAC 0.00018; 1000 Genomes Project 0.00020.
gnomAD v4.1: 136 of 1,611,550 alleles (0.0084%); highest among the groups gnomAD compares: South Asian, 0.066%; no homozygotes.

Submissions (9):

GeneDx
Classification: Uncertain significance. Last evaluated: 2025-06-27. Review status: criteria provided, single submitter. Criteria: GeneDx Variant Classification Process June 2021. Collection method: clinical testing. Allele origin: germline. Affected: yes.
Comment: Identified in a patient with epileptic encephalopathy in published literature (PMID: 37820178); In silico analysis suggests that this missense variant does not alter protein structure/function; This variant is associated with the following publications: (PMID: 37820178)

Labcorp Genetics (formerly Invitae), Labcorp
Classification: Likely benign for Developmental and epileptic encephalopathy, 1; Autosomal dominant nonsyndromic hearing loss 65. Last evaluated: 2025-06-15. Review status: criteria provided, single submitter. Criteria: Invitae Variant Classification Sherloc (09022015). Collection method: clinical testing. Allele origin: germline.

PreventionGenetics, part of Exact Sciences
Classification: Uncertain significance for TBC1D24-related condition. Last evaluated: 2024-10-24. Review status: criteria provided, single submitter. Criteria: ACMG Guidelines, 2015. Collection method: clinical testing. Allele origin: germline.
Comment: The TBC1D24 c.1015A>G variant is predicted to result in the amino acid substitution p.Asn339Asp. To our knowledge, this variant has not been reported in the literature. This variant is reported in 0.064% of alleles in individuals of South Asian descent in gnomAD. Although we suspect that this variant may be benign, at this time, the clinical significance of this variant is uncertain due to the absence of conclusive functional and genetic evidence.

Blueprint Genetics
Classification: Uncertain significance. Last evaluated: 2024-10-09. Review status: criteria provided, single submitter. Criteria: ACMG Guidelines, 2015. Collection method: clinical testing. Allele origin: germline.

CeGaT Center for Human Genetics Tuebingen
Classification: Uncertain significance. Last evaluated: 2023-10-01. Review status: criteria provided, single submitter. Criteria: CeGaT Center For Human Genetics Tuebingen Variant Classification Criteria Version 2. Collection method: clinical testing. Allele origin: germline. Affected: yes. Observed: 1 variant allele.
Comment: TBC1D24: PM2

Ambry Genetics
Classification: Uncertain significance for Inborn genetic diseases. Last evaluated: 2023-09-12. Review status: criteria provided, single submitter. Criteria: Ambry General Variant Classification Scheme_2022. Collection method: clinical testing. Allele origin: germline.

Department of Pathology and Laboratory Medicine, Sinai Health System
Classification: Uncertain significance for DOORS syndrome; Familial infantile myoclonic epilepsy; Rolandic epilepsy-paroxysmal exercise-induced dystonia-writer's cramp syndrome; Autosomal recessive nonsyndromic hearing loss 86; Developmental and epileptic encephalopathy, 16; Autosomal dominant nonsyndromic hearing loss 65. Last evaluated: 2021-09-26. Review status: criteria provided, single submitter. Criteria: ACMG Guidelines, 2015. Collection method: research. Allele origin: germline.

Laboratory for Molecular Medicine, Mass General Brigham Personalized Medicine
Classification: Uncertain significance. Last evaluated: 2017-07-13. Review status: criteria provided, single submitter. Criteria: LMM Criteria. Collection method: clinical testing. Allele origin: germline. Observed: 1 variant allele.
Comment: The p.Asn339Asp variant in TBC1D24 has not been previously reported in individua ls with hearing loss, but has been reported in ClinVar (Variation ID# 130541) as of uncertain significance. It has also been identified in 43/272092 chromosomes with the highest frequency 19/29928 of South Asian chromosomes by the Genome Ag gregation Database (gnomAD; dbSNP rs574768683) ; however, its frequency is not high enough to rule out a pathogenic role. Compu tational prediction tools and conservation analyses do not provide strong suppor t for or against an impact to the protein. In summary, the clinical significance of this variant is uncertain.

Genetic Services Laboratory, University of Chicago
Classification: Uncertain significance. Last evaluated: 2014-01-14. Review status: criteria provided, single submitter. Criteria: ACMG Guidelines, 2007. Collection method: clinical testing. Allele origin: germline. Inheritance: Autosomal recessive inheritance.